The following is an entry in ClinVar:

ClinVar aggregate classification (germline): Conflicting classifications of pathogenicity. Review status: criteria provided, conflicting classifications (1 of 4 stars). 3 submissions from 3 submitters: Uncertain significance (2); Likely benign (1). Last evaluated 2025-08-05.

Conditions:
Primary ciliary dyskinesia. Also called: Ciliary dyskinesia. Identifiers: Orphanet 244, MedGen C0008780, MONDO:0016575, HP:0012265.

Allele frequency attached by ClinVar (database versions not stated): gnomAD exomes 0.00006 and 0.00015; gnomAD 0.00007 and 0.00010; TOPMed 0.00009; 1000 Genomes Project 30x 0.00016; ExAC 0.00016; 1000 Genomes Project 0.00020.

Submissions (3):

Ambry Genetics
Classification: Likely benign for Primary ciliary dyskinesia. Last evaluated: 2025-08-05. Review status: criteria provided, single submitter. Criteria: Ambry Variant Classification Scheme 2023. Collection method: clinical testing. Allele origin: germline.

Blueprint Genetics
Classification: Uncertain significance. Last evaluated: 2024-07-31. Review status: criteria provided, single submitter. Criteria: ACMG Guidelines, 2015. Collection method: clinical testing. Allele origin: germline.

Labcorp Genetics (formerly Invitae), Labcorp
Classification: Uncertain significance for Primary ciliary dyskinesia. Last evaluated: 2022-03-19. Review status: criteria provided, single submitter. Criteria: Invitae Variant Classification Sherloc (09022015). Collection method: clinical testing. Allele origin: germline.
Comment: This sequence change replaces alanine, which is neutral and non-polar, with threonine, which is neutral and polar, at codon 530 of the DNAAF5 protein (p.Ala530Thr). This variant is present in population databases (rs200272840, gnomAD 0.2%). This variant has not been reported in the literature in individuals affected with DNAAF5-related conditions. ClinVar contains an entry for this variant (Variation ID: 663025). Algorithms developed to predict the effect of missense changes on protein structure and function (SIFT, PolyPhen-2, Align-GVGD) all suggest that this variant is likely to be tolerated. In summary, the available evidence is currently insufficient to determine the role of this variant in disease. Therefore, it has been classified as a Variant of Uncertain Significance.

NM_017802.4(DNAAF5):c.1588G>A (p.Ala530Thr)

Gene: DNAAF5 (dynein axonemal assembly factor 5; plus strand). Cytogenetic location: 7p22.3.
Variant type: single nucleotide variant.
Coding change: c.1588G>A on transcript NM_017802.4 (MANE Select); coding-DNA position 1588, G replaced by A.
Protein change: p.Ala530Thr; replaces alanine 530 with threonine.
Molecular consequence: missense variant. On other transcripts: non-coding transcript variant (1).
Genome position (GRCh38, 1-based): chr7:761,870, G>A. VCF-style: chr7-761870-G-A. GRCh37 (hg19) VCF-style: chr7-801507-G-A.
Other names: short protein forms A530T.
Identifiers: ClinVar variation 663025 (VCV000663025.6), dbSNP rs200272840, ClinGen allele CA4110789.